The following is an entry in ClinVar:

ClinVar aggregate classification (germline): Uncertain significance. Review status: criteria provided, multiple submitters, no conflicts (2 of 4 stars). 2 submissions from 2 submitters: Uncertain significance (2). Last evaluated 2022-02-11.

Conditions:
Inborn genetic diseases. Identifiers: MedGen C0950123, MeSH D030342.
Joubert syndrome 21 (JBTS21). Identifiers: MedGen C3810212, MONDO:0014288, OMIM 615636.

Allele frequency attached by ClinVar (database versions not stated): ExAC 0.00002; TOPMed 0.00002; gnomAD 0.00003.
gnomAD v4.1: 6 of 1,613,628 alleles (0.00037%); highest among the groups gnomAD compares: African/African-American, 0.0067%; no homozygotes.

Submissions (2):

Labcorp Genetics (formerly Invitae), Labcorp
Classification: Uncertain significance for Joubert syndrome 21. Last evaluated: 2022-02-11. Review status: criteria provided, single submitter. Criteria: Invitae Variant Classification Sherloc (09022015). Collection method: clinical testing. Allele origin: germline.
Comment: In summary, the available evidence is currently insufficient to determine the role of this variant in disease. Therefore, it has been classified as a Variant of Uncertain Significance. Algorithms developed to predict the effect of missense changes on protein structure and function output the following: SIFT: "Tolerated"; PolyPhen-2: "Benign"; Align-GVGD: "Class C0". The alanine amino acid residue is found in multiple mammalian species, which suggests that this missense change does not adversely affect protein function. This variant has not been reported in the literature in individuals affected with CSPP1-related conditions. This variant is present in population databases (rs776904813, gnomAD 0.01%). This sequence change replaces proline, which is neutral and non-polar, with alanine, which is neutral and non-polar, at codon 32 of the CSPP1 protein (p.Pro32Ala).

Ambry Genetics
Classification: Uncertain significance for Inborn genetic diseases. Last evaluated: 2021-01-13. Review status: criteria provided, single submitter. Criteria: Ambry Variant Classification Scheme 2023. Collection method: clinical testing. Allele origin: germline.
Comment: The c.94C>G (p.P32A) alteration is located in exon 1 (coding exon 1) of the CSPP1 gene. This alteration results from a C to G substitution at nucleotide position 94, causing the proline (P) at amino acid position 32 to be replaced by an alanine (A). The p.P32A alteration is predicted to be tolerated by in silico analysis. Based on insufficient or conflicting evidence, the clinical significance of this alteration remains unclear.

NM_001382391.1(CSPP1):c.-57C>G

Gene: CSPP1 (centrosome and spindle pole associated protein 1; plus strand). Cytogenetic location: 8q13.1.
Variant type: single nucleotide variant.
Coding change: c.-57C>G on transcript NM_001382391.1 (MANE Select); 57 bases upstream of the start codon, C replaced by G.
Molecular consequence: 5 prime UTR variant. On other transcripts: missense variant (3).
Genome position (GRCh38, 1-based): chr8:67,064,492, C>G. VCF-style: chr8-67064492-C-G. GRCh37 (hg19) VCF-style: chr8-67976727-C-G.
Other names: c.-57C>G (NM_001363131.2, NM_001363132.2, NM_001363133.2); c.94C>G, p.Pro32Ala (NM_001364869.1, NM_001364870.1, NM_024790.7); short protein forms P32A.
Identifiers: ClinVar variation 2154035 (VCV002154035.3), dbSNP rs776904813, ClinGen allele CA4770069.